The following is an entry in ClinVar:

ClinVar aggregate classification (germline): Pathogenic. Review status: criteria provided, multiple submitters, no conflicts (2 of 4 stars). 4 submissions from 4 submitters: Pathogenic (4). Last evaluated 2026-01-18.

Conditions:
Usher syndrome. Also called: Usher Syndromes; Usher's syndrome. Identifiers: Orphanet 886, MedGen CN469326, MeSH D052245, MONDO:0019501. Disease mechanism: loss of function.
ADGRV1-related disorder. Also called: ADGRV1-related condition; ADGRV1-related disorders.

Submissions (4):

Labcorp Genetics (formerly Invitae), Labcorp
Classification: Pathogenic. Last evaluated: 2026-01-18. Review status: criteria provided, single submitter. Criteria: Invitae Variant Classification Sherloc (09022015). Collection method: clinical testing. Allele origin: germline.
Comment: This sequence change creates a premature translational stop signal (p.Ser4233Lysfs*4) in the ADGRV1 gene. It is expected to result in an absent or disrupted protein product. Loss-of-function variants in ADGRV1 are known to be pathogenic (PMID: 19357117, 22135276, 22147658, 26226137, 30718709, 31047384, 32467589). This variant is not present in population databases (gnomAD no frequency). This variant has not been reported in the literature in individuals affected with ADGRV1-related conditions. ClinVar contains an entry for this variant (Variation ID: 866110). For these reasons, this variant has been classified as Pathogenic.

Women's Health and Genetics/Laboratory Corporation of America, LabCorp
Classification: Pathogenic for Usher syndrome. Last evaluated: 2024-10-15. Review status: criteria provided, single submitter. Criteria: LabCorp Variant Classification Summary - May 2015. Collection method: clinical testing. Allele origin: germline.
Comment: Variant summary: ADGRV1 c.12697dupA (p.Ser4233LysfsX4) results in a premature termination codon, predicted to cause a truncation of the encoded protein or absence of the protein due to nonsense mediated decay, which are commonly known mechanisms for disease. The variant was absent in 247682 control chromosomes. c.12697dupA has been reported in the literature as a homozygous genotype in at-least one individual affected with Inherited Retinal Disease (IRD) (example, Zampaglione_2020). The following publication has been ascertained in the context of this evaluation (PMID: 32037395). ClinVar contains an entry for this variant (Variation ID: 866110). Based on the evidence outlined above, the variant was classified as pathogenic.

GeneDx
Classification: Pathogenic. Last evaluated: 2024-05-14. Review status: criteria provided, single submitter. Criteria: GeneDx Variant Classification Process June 2021. Collection method: clinical testing. Allele origin: germline. Affected: yes.
Comment: Frameshift variant predicted to result in protein truncation or nonsense mediated decay in a gene for which loss of function is a known mechanism of disease; Not observed at significant frequency in large population cohorts (gnomAD); This variant is associated with the following publications: (PMID: 32037395)

Blueprint Genetics
Classification: Pathogenic for ADGRV1-related disorders. Last evaluated: 2022-05-16. Review status: criteria provided, single submitter. Criteria: ACMG Guidelines, 2015. Collection method: clinical testing. Allele origin: germline. Affected: yes. Observed: 4 variant alleles.

Literature cited by the submitters: PubMed 19357117 (cited by Labcorp Genetics (formerly Invitae), Labcorp); PubMed 22135276 (cited by Labcorp Genetics (formerly Invitae), Labcorp); PubMed 22147658 (cited by Labcorp Genetics (formerly Invitae), Labcorp); PubMed 26226137 (cited by Labcorp Genetics (formerly Invitae), Labcorp); PubMed 30718709 (cited by Labcorp Genetics (formerly Invitae), Labcorp); PubMed 31047384 (cited by Labcorp Genetics (formerly Invitae), Labcorp); PubMed 32467589 (cited by Labcorp Genetics (formerly Invitae), Labcorp); PubMed 32037395 (cited by Women's Health and Genetics/Laboratory Corporation of America, LabCorp).

NM_032119.4(ADGRV1):c.12697dup (p.Ser4233fs)

Gene: ADGRV1 (adhesion G protein-coupled receptor V1; plus strand). Cytogenetic location: 5q14.3.
Variant type: Duplication.
Coding change: c.12697dup on transcript NM_032119.4 (MANE Select); coding-DNA position 12697, one base duplicated (A; older notation c.12697dupA).
Protein change: p.Ser4233fs; shifts the reading frame from serine 4233.
Molecular consequence: frameshift variant. On other transcripts: non-coding transcript variant (1).
Genome position (GRCh38, 1-based): chr5:90,778,457, A duplicated; the last of 6 consecutive A bases (chr5:90,778,452-90,778,457); duplicating any one gives the same sequence. VCF-style (leftmost placement, unchanged base first): chr5-90778451-G-GA. GRCh37 (hg19) VCF-style: chr5-90074268-G-GA.
Other names: c.12697dupA (NM_032119.3, NM_032119.4); short protein forms S4233fs.
Identifiers: ClinVar variation 866110 (VCV000866110.13), dbSNP rs1758488956, ClinGen allele CA916082740.